The following is an entry in ClinVar:

ClinVar aggregate classification (germline): Likely benign. Review status: criteria provided, multiple submitters, no conflicts (2 of 4 stars). 2 submissions from 2 submitters: Likely benign (2). Last evaluated 2024-12-16.

gnomAD v4.1: 9 of 1,614,014 alleles (0.00056%); highest among the groups gnomAD compares: Non-Finnish European, 0.00068%; no homozygotes.

Submissions (2):

Labcorp Genetics (formerly Invitae), Labcorp
Classification: Likely benign. Last evaluated: 2024-12-16. Review status: criteria provided, single submitter. Criteria: Invitae Variant Classification Sherloc (09022015). Collection method: clinical testing. Allele origin: germline.

CeGaT Center for Human Genetics Tuebingen
Classification: Likely benign. Last evaluated: 2023-12-01. Review status: criteria provided, single submitter. Criteria: CeGaT Center For Human Genetics Tuebingen Variant Classification Criteria Version 2. Collection method: clinical testing. Allele origin: germline. Affected: yes. Observed: 1 variant allele.
Comment: KARS1: BP4, BP7

NM_005548.3(KARS1):c.600G>C (p.Pro200=)

Gene: KARS1 (lysyl-tRNA synthetase 1; minus strand). Cytogenetic location: 16q23.1.
Variant type: single nucleotide variant.
Coding change: c.600G>C on transcript NM_005548.3 (MANE Select); coding-DNA position 600, G replaced by C.
Protein change: p.Pro200=; no amino-acid change (proline 200 retained).
Molecular consequence: synonymous variant.
Genome position (GRCh38, 1-based): chr16:75,635,981, C>G on the plus strand (G>C on the coding strand, the complement: KARS1 is on the minus strand). VCF-style: chr16-75635981-C-G. GRCh37 (hg19) VCF-style: chr16-75669879-C-G.
Other names: c.684G>C, p.Pro228= (NM_001130089.2); c.132G>C, p.Pro44= (NM_001378148.1).
Identifiers: ClinVar variation 2191675 (VCV002191675.27), dbSNP rs143003475, ClinGen allele CA496583857.